The following is an entry in ClinVar:

NM_001130823.3(DNMT1):c.1880A>G (p.Lys627Arg)

Gene: DNMT1 (DNA methyltransferase 1; minus strand). Cytogenetic location: 19p13.2.
Variant type: single nucleotide variant.
Coding change: c.1880A>G on transcript NM_001130823.3 (MANE Select); coding-DNA position 1880, A replaced by G.
Protein change: p.Lys627Arg; replaces lysine 627 with arginine.
Molecular consequence: missense variant.
Genome position (GRCh38, 1-based): chr19:10,154,432, T>C on the plus strand (A>G on the coding strand, the complement: DNMT1 is on the minus strand). VCF-style: chr19-10154432-T-C. GRCh37 (hg19) VCF-style: chr19-10265108-T-C.
Other names: c.1832A>G, p.Lys611Arg (NM_001318730.2, NM_001379.4); c.1517A>G, p.Lys506Arg (NM_001318731.2); short protein forms K506R, K611R, K627R.
Identifiers: ClinVar variation 1804231 (VCV001804231.1), dbSNP rs2513820786, ClinGen allele CA403933872.

ClinVar aggregate classification (germline): Uncertain significance (1 of 4 stars; one submission).

Allele frequency attached by ClinVar (database versions not stated): gnomAD exomes 0.00001.
gnomAD v4.1: 10 of 1,614,240 alleles (0.00062%); highest among the groups gnomAD compares: Non-Finnish European, 0.00076%; no homozygotes.

Submission:

GeneDx
Classification: Uncertain significance. Last evaluated: 2022-06-16. Review status: criteria provided, single submitter. Criteria: GeneDx Variant Classification Process June 2021. Collection method: clinical testing. Allele origin: germline. Affected: yes.
Comment: Not observed at significant frequency in large population cohorts (gnomAD); In silico analysis supports that this missense variant does not alter protein structure/function; Has not been previously published as pathogenic or benign to our knowledge